The following is an entry in ClinVar:

NM_006941.4(SOX10):c.106G>A (p.Gly36Ser)

Genes: POLR2F (RNA polymerase II, I and III subunit F; plus strand), SOX10 (SRY-box transcription factor 10; minus strand). Cytogenetic location: 22q13.1.
Variant type: single nucleotide variant.
Coding change: c.106G>A on transcript NM_006941.4 (MANE Select); coding-DNA position 106, G replaced by A.
Protein change: p.Gly36Ser; replaces glycine 36 with serine.
Molecular consequence: missense variant. On other transcripts: intron variant (3).
Genome position (GRCh38, 1-based): chr22:37,983,679, C>T on the plus strand (G>A on the coding strand, the complement: SOX10 is on the minus strand). VCF-style: chr22-37983679-C-T. GRCh37 (hg19) VCF-style: chr22-38379686-C-T.
Other names: c.*38+11369C>T (NM_001363825.1); c.294-2475C>T (NM_001301130.2); c.293+16509C>T (NM_001301131.2); short protein forms G36S.
Identifiers: ClinVar variation 2152217 (VCV002152217.3), dbSNP rs770004606, ClinGen allele CA10228729.

ClinVar aggregate classification (germline): Uncertain significance (1 of 4 stars; one submission).

Allele frequency attached by ClinVar (database versions not stated): gnomAD exomes below 0.00001; ExAC 0.00002.
gnomAD v4.1: 2 of 1,563,084 alleles (0.00013%); highest among the groups gnomAD compares: Admixed American, 0.0037%; no homozygotes.

Submission:

Labcorp Genetics (formerly Invitae), Labcorp
Classification: Uncertain significance. Last evaluated: 2022-07-20. Review status: criteria provided, single submitter. Criteria: Invitae Variant Classification Sherloc (09022015). Collection method: clinical testing. Allele origin: germline.
Comment: In summary, the available evidence is currently insufficient to determine the role of this variant in disease. Therefore, it has been classified as a Variant of Uncertain Significance. Algorithms developed to predict the effect of missense changes on protein structure and function (SIFT, PolyPhen-2, Align-GVGD) all suggest that this variant is likely to be tolerated. This variant has not been reported in the literature in individuals affected with SOX10-related conditions. The frequency data for this variant in the population databases is considered unreliable, as metrics indicate poor data quality at this position in the gnomAD database. This sequence change replaces glycine, which is neutral and non-polar, with serine, which is neutral and polar, at codon 36 of the SOX10 protein (p.Gly36Ser).